The following is an entry in ClinVar:

ClinVar aggregate classification (germline): Uncertain significance. Review status: criteria provided, multiple submitters, no conflicts (2 of 4 stars). 2 submissions from 2 submitters: Uncertain significance (2). Last evaluated 2025-05-17.

Conditions:
Inborn genetic diseases. Identifiers: MedGen C0950123, MeSH D030342.

Allele frequency attached by ClinVar (database versions not stated): gnomAD 0.00001; TOPMed 0.00001.
gnomAD v4.1: 33 of 1,612,298 alleles (0.002%); highest among the groups gnomAD compares: Middle Eastern, 0.083%; 1 homozygote.

Submissions (2):

Labcorp Genetics (formerly Invitae), Labcorp
Classification: Uncertain significance. Last evaluated: 2025-05-17. Review status: criteria provided, single submitter. Criteria: Invitae Variant Classification Sherloc (09022015). Collection method: clinical testing. Allele origin: germline.
Comment: This sequence change replaces glutamic acid, which is acidic and polar, with glutamine, which is neutral and polar, at codon 721 of the TNNI3K protein (p.Glu721Gln). This variant is present in population databases (no rsID available, gnomAD no frequency). This variant has not been reported in the literature in individuals affected with TNNI3K-related conditions. ClinVar contains an entry for this variant (Variation ID: 1404353). An algorithm developed to predict the effect of missense changes on protein structure and function (PolyPhen-2) suggests that this variant is likely to be tolerated. In summary, the available evidence is currently insufficient to determine the role of this variant in disease. Therefore, it has been classified as a Variant of Uncertain Significance.

Ambry Genetics
Classification: Uncertain significance for Inborn genetic diseases. Last evaluated: 2025-04-04. Review status: criteria provided, single submitter. Criteria: Ambry Variant Classification Scheme 2023. Collection method: clinical testing. Allele origin: germline.

NM_015978.3(TNNI3K):c.2161G>C (p.Glu721Gln)

Genes: TNNI3K (TNNI3 interacting kinase; plus strand), FPGT-TNNI3K (FPGT-TNNI3K readthrough; plus strand), LRRC53 (leucine rich repeat containing 53; minus strand). Cytogenetic location: 1p31.1.
Variant type: single nucleotide variant.
Coding change: c.2161G>C on transcript NM_015978.3 (MANE Select); coding-DNA position 2161, G replaced by C.
Protein change: p.Glu721Gln; replaces glutamic acid 721 with glutamine.
Molecular consequence: missense variant. On other transcripts: intron variant (2).
Genome position (GRCh38, 1-based): chr1:74,489,228, G>C. VCF-style: chr1-74489228-G-C. GRCh37 (hg19) VCF-style: chr1-74954912-G-C.
Other names: c.2464G>C, p.Glu822Gln (NM_001112808.3); c.-8-8260C>G (NM_001364666.2); c.-26-5853C>G (NM_001382280.1); c.2161G>C (NM_015978.2); short protein forms E822Q, E721Q.
Identifiers: ClinVar variation 1404353 (VCV001404353.9), dbSNP rs1035914333, ClinGen allele CA24565191.